The following is an entry in ClinVar:

ClinVar aggregate classification (germline): Uncertain significance (1 of 4 stars; one submission).

Allele frequency attached by ClinVar (database versions not stated): gnomAD exomes 0.00001; ExAC 0.00001; TOPMed 0.00001; gnomAD 0.00001; ESP Exome Variant Server 0.00008.
gnomAD v4.1: 12 of 1,603,230 alleles (0.00075%); highest among the groups gnomAD compares: Admixed American, 0.0034%; no homozygotes.

Submission:

Labcorp Genetics (formerly Invitae), Labcorp
Classification: Uncertain significance. Last evaluated: 2025-10-06. Review status: criteria provided, single submitter. Criteria: Invitae Variant Classification Sherloc (09022015). Collection method: clinical testing. Allele origin: germline.
Comment: This sequence change falls in intron 1 of the RPL35 gene. It does not directly change the encoded amino acid sequence of the RPL35 protein. It affects a nucleotide within the consensus splice site. This variant is present in population databases (rs369949861, gnomAD 0.006%). This variant has not been reported in the literature in individuals affected with RPL35-related conditions. ClinVar contains an entry for this variant (Variation ID: 2873346). Variants that disrupt the consensus splice site are a relatively common cause of aberrant splicing (PMID: 17576681, 9536098). Algorithms developed to predict the effect of sequence changes on RNA splicing suggest that this variant is not likely to affect RNA splicing. In summary, the available evidence is currently insufficient to determine the role of this variant in disease. Therefore, it has been classified as a Variant of Uncertain Significance.

Literature cited by the submitters: PubMed 17576681; PubMed 9536098.

NM_007209.4(RPL35):c.3+3G>A

Gene: RPL35 (ribosomal protein L35; minus strand). Cytogenetic location: 9q33.3.
Variant type: single nucleotide variant.
Coding change: c.3+3G>A on transcript NM_007209.4 (MANE Select); 3 bases into the intron after coding-DNA position 3, G replaced by A.
Molecular consequence: intron variant.
Genome position (GRCh38, 1-based): chr9:124,861,907, C>T on the plus strand (G>A on the coding strand, the complement: RPL35 is on the minus strand). VCF-style: chr9-124861907-C-T. GRCh37 (hg19) VCF-style: chr9-127624186-C-T.
Identifiers: ClinVar variation 2873346 (VCV002873346.3), dbSNP rs369949861, ClinGen allele CA5237314.
Genomic context (GRCh38, chr9:124,861,907, plus strand): 5'-ACCGCCTTCCCCAACCCCCGCGCCTCACAGCGCTCGGATGGCGCCCGATTCCGCAGCTCT[C>T]ACCATTGCTGCACAAGCCGCCAACGCCGCCGCCCGCTCCGAGGGAAAGAGGAAGTAGGCG-3'